The following is an entry in ClinVar:

NM_002336.3(LRP6):c.3G>A (p.Met1Ile)

Gene: LRP6 (LDL receptor related protein 6; minus strand). Cytogenetic location: 12p13.2.
Variant type: single nucleotide variant.
Coding change: c.3G>A on transcript NM_002336.3 (MANE Select); coding-DNA position 3, G replaced by A.
Protein change: p.Met1Ile; changes the start codon (methionine 1).
Molecular consequence: missense variant, initiator codon variant.
Genome position (GRCh38, 1-based): chr12:12,266,733, C>T on the plus strand (G>A on the coding strand, the complement: LRP6 is on the minus strand). VCF-style: chr12-12266733-C-T. GRCh37 (hg19) VCF-style: chr12-12419667-C-T.
Other names: short protein forms M1I.
Identifiers: ClinVar variation 1480168 (VCV001480168.6), dbSNP rs2135955942, ClinGen allele CA383948747.
Genomic context (GRCh38, chr12:12,266,733, plus strand): 5'-CTTCCCACCTCTCAGGAGCACACAGAAGCTGCAGGCCAGGAGGCTCCTCAGGACGGCCCC[C>T]ATCTTCCCTTCTCGCGTTCTCTTCTCTCACCGGCGAGGGGTGGCCAGAAGTGGGGGAGGC-3'
Protein context (NP_002327.2, residues 1-11): [Met1Ile]GAVLRSLLAC

ClinVar aggregate classification (germline): Uncertain significance (1 of 4 stars; one submission).

Submission:

Labcorp Genetics (formerly Invitae), Labcorp
Classification: Uncertain significance. Last evaluated: 2021-10-12. Review status: criteria provided, single submitter. Criteria: Invitae Variant Classification Sherloc (09022015). Collection method: clinical testing. Allele origin: germline.
Comment: In summary, the available evidence is currently insufficient to determine the role of this variant in disease. Therefore, it has been classified as a Variant of Uncertain Significance. Experimental studies and prediction algorithms are not available or were not evaluated, and the functional significance of this variant is currently unknown. This variant has not been reported in the literature in individuals affected with LRP6-related conditions. This variant is not present in population databases (ExAC no frequency). This sequence change affects the initiator methionine of the LRP6 mRNA. The next in-frame methionine is located at codon 152.